The following is an entry in ClinVar:

NM_001286445.3(RIPOR2):c.2802C>T (p.Asn934=)

Gene: RIPOR2 (RHO family interacting cell polarization regulator 2; minus strand). Cytogenetic location: 6p22.3.
Variant type: single nucleotide variant.
Coding change: c.2802C>T on transcript NM_001286445.3 (MANE Select); coding-DNA position 2802, C replaced by T.
Protein change: p.Asn934=; no amino-acid change (asparagine 934 retained).
Molecular consequence: synonymous variant.
Genome position (GRCh38, 1-based): chr6:24,825,292, G>A on the plus strand (C>T on the coding strand, the complement: RIPOR2 is on the minus strand). VCF-style: chr6-24825292-G-A. GRCh37 (hg19) VCF-style: chr6-24825520-G-A.
Other names: c.2865C>T (NM_014722.4); c.2715C>T, p.Asn905= (NM_001346031.2, NM_001346032.2); c.2865C>T, p.Asn955= (NM_014722.5).
Identifiers: ClinVar variation 768069 (VCV000768069.14), dbSNP rs185947117, ClinGen allele CA3659071.

ClinVar aggregate classification (germline): Benign/Likely benign. Review status: criteria provided, multiple submitters, no conflicts (2 of 4 stars). 4 submissions from 4 submitters: Benign (1); Likely benign (2). 1 of the submissions does not count toward it. Last evaluated 2026-01-25.

Conditions:
RIPOR2-related disorder. Also called: RIPOR2-related condition.

Allele frequency attached by ClinVar (database versions not stated): gnomAD exomes 0.00023 and 0.00034; ExAC 0.00063; 1000 Genomes Project 30x 0.00172; TOPMed 0.00195; gnomAD 0.00196 and 0.00210; 1000 Genomes Project 0.00200; ESP Exome Variant Server 0.00219.
gnomAD v4.1: 630 of 1,551,692 alleles (0.041%); highest among the groups gnomAD compares: African/African-American, 0.6%; 4 homozygotes.

Submissions (4):

Labcorp Genetics (formerly Invitae), Labcorp
Classification: Likely benign. Last evaluated: 2026-01-25. Review status: criteria provided, single submitter. Criteria: Invitae Variant Classification Sherloc (09022015). Collection method: clinical testing. Allele origin: germline.

Blueprint Genetics
Classification: Likely benign. Last evaluated: 2024-07-18. Review status: criteria provided, single submitter. Criteria: ACMG Guidelines, 2015. Collection method: clinical testing. Allele origin: germline.

GeneDx
Classification: Benign. Last evaluated: 2018-04-26. Review status: criteria provided, single submitter. Criteria: GeneDx Variant Classification Process June 2021. Collection method: clinical testing. Allele origin: germline. Affected: yes.

PreventionGenetics, part of Exact Sciences
Classification: Likely benign for RIPOR2-related condition. Last evaluated: 2024-07-29. Review status: no assertion criteria provided. Collection method: clinical testing. Allele origin: germline. Not counted in ClinVar's aggregate classification.
Comment: This variant is classified as likely benign based on ACMG/AMP sequence variant interpretation guidelines (Richards et al. 2015 PMID: 25741868, with internal and published modifications).